The following is an entry in ClinVar:

NM_002860.4(ALDH18A1):c.1370G>T (p.Arg457Leu)

Gene: ALDH18A1 (aldehyde dehydrogenase 18 family member A1; minus strand). Cytogenetic location: 10q24.1.
Variant type: single nucleotide variant.
Coding change: c.1370G>T on transcript NM_002860.4 (MANE Select); coding-DNA position 1370, G replaced by T.
Protein change: p.Arg457Leu; replaces arginine 457 with leucine.
Molecular consequence: missense variant.
Genome position (GRCh38, 1-based): chr10:95,621,128, C>A on the plus strand (G>T on the coding strand, the complement: ALDH18A1 is on the minus strand). VCF-style: chr10-95621128-C-A. GRCh37 (hg19) VCF-style: chr10-97380885-C-A.
Other names: c.1031G>T, p.Arg344Leu (NM_001323418.2); c.734G>T, p.Arg245Leu (NM_001323419.2); c.1364G>T, p.Arg455Leu (NM_001017423.2, NM_001323415.2); c.1037G>T, p.Arg346Leu (NM_001323412.2, NM_001323416.2); c.1370G>T, p.Arg457Leu (NM_001323413.2, NM_001323414.2); c.1265G>T, p.Arg422Leu (NM_001323417.2); short protein forms R245L, R344L, R346L, R422L, R455L, R457L.
Identifiers: ClinVar variation 1102021 (VCV001102021.10), dbSNP rs570730665, ClinGen allele CA5620336.

ClinVar aggregate classification (germline): Conflicting classifications of pathogenicity. Review status: criteria provided, conflicting classifications (1 of 4 stars). 2 submissions from 2 submitters: Uncertain significance (1); Likely benign (1). Last evaluated 2025-01-30.

Conditions:
Cutis laxa, autosomal dominant 3 (ADCL3). Identifiers: Orphanet 90348, MedGen C4225268, MONDO:0014706, OMIM 616603.
Autosomal dominant spastic paraplegia type 9. Identifiers: MedGen C1832669, MONDO:0015091.
de Barsy syndrome. Also called: Cutis laxa-corneal clouding-oligophrenia syndrome. Identifiers: Orphanet 2962, MedGen C0268354, MONDO:0017569.

Allele frequency attached by ClinVar (database versions not stated): 1000 Genomes Project 30x 0.00016; 1000 Genomes Project 0.00020.
gnomAD v4.1: 163 of 1,613,942 alleles (0.01%); highest among the groups gnomAD compares: South Asian, 0.18%; 1 homozygote.

Submissions (2):

Labcorp Genetics (formerly Invitae), Labcorp
Classification: Likely benign for Autosomal dominant spastic paraplegia type 9; de Barsy syndrome; Cutis laxa, autosomal dominant 3. Last evaluated: 2025-01-30. Review status: criteria provided, single submitter. Criteria: Invitae Variant Classification Sherloc (09022015). Collection method: clinical testing. Allele origin: germline.

GeneDx
Classification: Uncertain significance. Last evaluated: 2022-01-13. Review status: criteria provided, single submitter. Criteria: GeneDx Variant Classification Process June 2021. Collection method: clinical testing. Allele origin: germline. Affected: yes.
Comment: In silico analysis supports that this missense variant has a deleterious effect on protein structure/function; Has not been previously published as pathogenic or benign to our knowledge